The following is an entry in ClinVar:

ClinVar aggregate classification (germline): Uncertain significance. Review status: criteria provided, multiple submitters, no conflicts (2 of 4 stars). 2 submissions from 2 submitters: Uncertain significance (2). Last evaluated 2023-03-02.

Conditions:
Inborn genetic diseases. Identifiers: MedGen C0950123, MeSH D030342.

Allele frequency attached by ClinVar (database versions not stated): TOPMed below 0.00001.

Submissions (2):

Ambry Genetics
Classification: Uncertain significance for Inborn genetic diseases. Last evaluated: 2023-03-02. Review status: criteria provided, single submitter. Criteria: Ambry Variant Classification Scheme 2023. Collection method: clinical testing. Allele origin: germline.

Labcorp Genetics (formerly Invitae), Labcorp
Classification: Uncertain significance. Last evaluated: 2022-07-05. Review status: criteria provided, single submitter. Criteria: Invitae Variant Classification Sherloc (09022015). Collection method: clinical testing. Allele origin: germline.
Comment: In summary, the available evidence is currently insufficient to determine the role of this variant in disease. Therefore, it has been classified as a Variant of Uncertain Significance. Algorithms developed to predict the effect of missense changes on protein structure and function are either unavailable or do not agree on the potential impact of this missense change (SIFT: "Not Available"; PolyPhen-2: "Benign"; Align-GVGD: "Not Available"). This variant has not been reported in the literature in individuals affected with POLR1C-related conditions. This variant is not present in population databases (gnomAD no frequency). This sequence change replaces valine, which is neutral and non-polar, with aspartic acid, which is acidic and polar, at codon 343 of the POLR1C protein (p.Val343Asp).

NM_203290.4(POLR1C):c.1028T>A (p.Val343Asp)

Gene: POLR1C (RNA polymerase I and III subunit C; plus strand). Cytogenetic location: 6p21.1.
Variant type: single nucleotide variant.
Coding change: c.1028T>A on transcript NM_203290.4 (MANE Select); coding-DNA position 1028, T replaced by A.
Protein change: p.Val343Asp; replaces valine 343 with aspartic acid.
Molecular consequence: missense variant. On other transcripts: intron variant (2).
Genome position (GRCh38, 1-based): chr6:43,521,287, T>A. VCF-style: chr6-43521287-T-A. GRCh37 (hg19) VCF-style: chr6-43489025-T-A.
Other names: c.922+239T>A (NM_001318876.2, NM_001363658.2); c.1028T>A (NM_203290.2); short protein forms V343D.
Identifiers: ClinVar variation 1938694 (VCV001938694.7), dbSNP rs1793173122, ClinGen allele CA364285731.